The following is an entry in ClinVar:

ClinVar aggregate classification (germline): Likely benign (0 of 4 stars; one submission).

Conditions:
FAT3-related disorder. Also called: FAT3-related condition.

Allele frequency attached by ClinVar (database versions not stated): 1000 Genomes Project 30x 0.00016; 1000 Genomes Project 0.00020; TOPMed 0.00061; gnomAD 0.00100; ESP Exome Variant Server 0.00117; ExAC 0.00128; gnomAD exomes 0.00139.
gnomAD v4.1: 2,190 of 1,613,590 alleles (0.14%); highest among the groups gnomAD compares: Non-Finnish European, 0.16%; 9 homozygotes.

Submission:

PreventionGenetics, part of Exact Sciences
Classification: Likely benign for FAT3-related condition. Last evaluated: 2019-11-21. Review status: no assertion criteria provided. Collection method: clinical testing. Allele origin: germline.
Comment: This variant is classified as likely benign based on ACMG/AMP sequence variant interpretation guidelines (Richards et al. 2015 PMID: 25741868, with internal and published modifications).

NM_001367949.2(FAT3):c.1758T>G (p.Val586=)

Gene: FAT3 (FAT atypical cadherin 3; plus strand). Cytogenetic location: 11q14.3.
Variant type: single nucleotide variant.
Coding change: c.1758T>G on transcript NM_001367949.2 (MANE Select); coding-DNA position 1758, T replaced by G.
Protein change: p.Val586=; no amino-acid change (valine 586 retained).
Molecular consequence: synonymous variant.
Genome position (GRCh38, 1-based): chr11:92,353,870, T>G. VCF-style: chr11-92353870-T-G. GRCh37 (hg19) VCF-style: chr11-92087036-T-G.
Other names: c.1758T>G, p.Val586= (NM_001008781.3, NM_001378141.1).
Identifiers: ClinVar variation 3048935 (VCV003048935.2), dbSNP rs201479806, ClinGen allele CA6226354.